The following is an entry in ClinVar:

NM_001009944.3(PKD1):c.9730C>T (p.Arg3244Cys)

Gene: PKD1 (polycystin 1, transient receptor potential channel interacting; minus strand). Cytogenetic location: 16p13.3.
Variant type: single nucleotide variant.
Coding change: c.9730C>T on transcript NM_001009944.3 (MANE Select); coding-DNA position 9730, C replaced by T.
Protein change: p.Arg3244Cys; replaces arginine 3244 with cysteine.
Molecular consequence: missense variant.
Genome position (GRCh38, 1-based): chr16:2,100,054, G>A on the plus strand (C>T on the coding strand, the complement: PKD1 is on the minus strand). VCF-style: chr16-2100054-G-A. GRCh37 (hg19) VCF-style: chr16-2150055-G-A.
Other names: c.9730C>T, p.Arg3244Cys (NM_000296.4); short protein forms R3244C.
Identifiers: ClinVar variation 4981712 (VCV004981712.1).

ClinVar aggregate classification (germline): Uncertain significance (1 of 4 stars; one submission).

Conditions:
PKD1-related disorder. Also called: PKD1-related condition.

gnomAD v4.1: 100 of 1,594,388 alleles (0.0063%); highest among the groups gnomAD compares: South Asian, 0.032%; no homozygotes.

Submission:

PreventionGenetics, part of Exact Sciences
Classification: Uncertain significance for PKD1-related condition. Last evaluated: 2026-07-20. Review status: criteria provided, single submitter. Criteria: ACMG Guidelines, 2015. Collection method: clinical testing. Allele origin: germline.
Comment: The PKD1 c.9730C>T variant is predicted to result in the amino acid substitution p.Arg3244Cys. To our knowledge, this variant has not been reported in the literature. This variant is reported in 0.039% of alleles in individuals of South Asian descent in gnomAD. Although we suspect that this variant may be benign, at this time, the clinical significance of this variant is uncertain due to the absence of conclusive functional and genetic evidence.